The following is an entry in ClinVar:

ClinVar aggregate classification (germline): Uncertain significance (1 of 4 stars; one submission).

Conditions:
Spinocerebellar ataxia type 21 (SCA21). Identifiers: Orphanet 98773, MedGen C1843891, MONDO:0011833, OMIM 607454.

Submission:

Broad Center for Mendelian Genomics, Broad Institute of MIT and Harvard
Classification: Uncertain significance for Spinocerebellar ataxia type 21. Last evaluated: 2023-01-25. Review status: criteria provided, single submitter. Criteria: ACMG Guidelines, 2015. Collection method: curation. Allele origin: germline. Inheritance: Autosomal recessive inheritance.
Comment: The homozygous p.Ser16Ter variant in TMEM240 was identified by our study in two siblings with spinocerebellar ataxia (PMID: 34791078). These two affected individuals were homozygotes, which increases the likelihood that the p.Ser16Ter variant is pathogenic (PMID: 34791078). This variant was absent from large population studies. This nonsense variant leads to a premature termination codon at position 16, which is predicted to lead to a truncated or absent protein. While there is some evidence to suggest that loss of function of the TMEM240 gene is a disease mechanism in spinocerebellar ataxia 21, this association is not yet strongly established based on the criteria laid out in Tayoun, 2018 (PMID: 30192042). In summary, the clinical significance of the p.Ser16Ter variant is uncertain. ACMG/AMP Criteria applied: PVS1_Supporting, PM2_Supporting, PM3_Supporting (Richards 2015).

NM_001114748.2(TMEM240):c.47C>A (p.Ser16Ter)

Gene: TMEM240 (transmembrane protein 240; minus strand). Cytogenetic location: 1p36.33.
Variant type: single nucleotide variant.
Coding change: c.47C>A on transcript NM_001114748.2 (MANE Select); coding-DNA position 47, C replaced by A.
Protein change: p.Ser16Ter; replaces serine 16 with a stop codon.
Molecular consequence: nonsense.
Genome position (GRCh38, 1-based): chr1:1,540,300, G>T on the plus strand (C>A on the coding strand, the complement: TMEM240 is on the minus strand). VCF-style: chr1-1540300-G-T. GRCh37 (hg19) VCF-style: chr1-1475680-G-T.
Other names: NM_001114748.2:c.47C>A; short protein forms S16*.
Identifiers: ClinVar variation 2412693 (VCV002412693.1), dbSNP rs2521008080, ClinGen allele CA337869563.